The following is an entry in ClinVar:

ClinVar aggregate classification (germline): Uncertain significance (1 of 4 stars; one submission).

Conditions:
Cardiovascular phenotype. Identifiers: MedGen CN230736.

Allele frequency attached by ClinVar (database versions not stated): gnomAD exomes below 0.00001; TOPMed 0.00001.

Submission:

Ambry Genetics
Classification: Uncertain significance for Cardiovascular phenotype. Last evaluated: 2023-01-10. Review status: criteria provided, single submitter. Criteria: Ambry Variant Classification Scheme 2023. Collection method: clinical testing. Allele origin: germline.
Comment: The c.2144delA variant, located in coding exon 16 of the TRPM4 gene, results from a deletion of one nucleotide at nucleotide position 2144, causing a translational frameshift with a predicted alternate stop codon (p.E715Gfs*8). This alteration is expected to result in protein truncation or nonsense-mediated mRNA decay. However, loss of function of TRPM4 has not been established as a mechanism of disease. Since supporting evidence is limited at this time, the clinical significance of this alteration remains unclear.

NM_017636.4(TRPM4):c.2144del (p.Glu715fs)

Gene: TRPM4 (transient receptor potential cation channel subfamily M member 4; plus strand). Cytogenetic location: 19q13.33.
Variant type: Deletion.
Coding change: c.2144del on transcript NM_017636.4 (MANE Select); coding-DNA position 2144, one base deleted (A; older notation c.2144delA).
Protein change: p.Glu715fs; shifts the reading frame from glutamic acid 715.
Molecular consequence: frameshift variant.
Genome position (GRCh38, 1-based): chr19:49,190,707, A deleted. VCF-style (leftmost placement, unchanged base first): chr19-49190706-GA-G. GRCh37 (hg19) VCF-style: chr19-49693963-GA-G.
Other names: c.2144del, p.Glu715fs (NM_001195227.2); c.1799del, p.Glu600fs (NM_001321281.2); c.536del, p.Glu179fs (NM_001321282.2); c.1622del, p.Glu541fs (NM_001321283.2); c.1082del, p.Glu361fs (NM_001321285.2); short protein forms E715fs, E179fs, E600fs, E361fs, E541fs.
Identifiers: ClinVar variation 2448585 (VCV002448585.2), dbSNP rs1038017691, ClinGen allele CA309450335.